The following is an entry in ClinVar:

ClinVar aggregate classification (germline): Uncertain significance (1 of 4 stars; one submission).

Conditions:
Methylmalonic acidemia with homocystinuria, type cblX (MAHCX). Also called: INTELLECTUAL DEVELOPMENTAL DISORDER, X-LINKED 3. Identifiers: Orphanet 369962, MedGen C0796208, MONDO:0010657, OMIM 309541.

Submission:

Labcorp Genetics (formerly Invitae), Labcorp
Classification: Uncertain significance for Methylmalonic acidemia with homocystinuria, type cblX. Last evaluated: 2025-06-12. Review status: criteria provided, single submitter. Criteria: Invitae Variant Classification Sherloc (09022015). Collection method: clinical testing. Allele origin: germline.
Comment: This sequence change replaces glutamic acid, which is acidic and polar, with glutamine, which is neutral and polar, at codon 988 of the HCFC1 protein (p.Glu988Gln). This variant is not present in population databases (gnomAD no frequency). This variant has not been reported in the literature in individuals affected with HCFC1-related conditions. ClinVar contains an entry for this variant (Variation ID: 3725044). An algorithm developed to predict the effect of missense changes on protein structure and function (PolyPhen-2) suggests that this variant is likely to be disruptive. In summary, the available evidence is currently insufficient to determine the role of this variant in disease. Therefore, it has been classified as a Variant of Uncertain Significance.

NM_005334.3(HCFC1):c.2962G>C (p.Glu988Gln)

Gene: HCFC1 (host cell factor C1; minus strand). Cytogenetic location: Xq28.
Variant type: single nucleotide variant.
Coding change: c.2962G>C on transcript NM_005334.3 (MANE Select); coding-DNA position 2962, G replaced by C.
Protein change: p.Glu988Gln; replaces glutamic acid 988 with glutamine.
Molecular consequence: missense variant.
Genome position (GRCh38, 1-based): chrX:153,955,437, C>G on the plus strand (G>C on the coding strand, the complement: HCFC1 is on the minus strand). VCF-style: chrX-153955437-C-G. GRCh37 (hg19) VCF-style: chrX-153220888-C-G.
Other names: c.2962G>C, p.Glu988Gln (NM_001410705.1); short protein forms E988Q.
Identifiers: ClinVar variation 3725044 (VCV003725044.2).